The following is an entry in ClinVar:

NM_001384900.1(SEMA3D):c.556G>T (p.Asp186Tyr)

Gene: SEMA3D (semaphorin 3D; minus strand). Cytogenetic location: 7q21.11.
Variant type: single nucleotide variant.
Coding change: c.556G>T on transcript NM_001384900.1 (MANE Select); coding-DNA position 556, G replaced by T.
Protein change: p.Asp186Tyr; replaces aspartic acid 186 with tyrosine.
Molecular consequence: missense variant.
Genome position (GRCh38, 1-based): chr7:85,068,224, C>A on the plus strand (G>T on the coding strand, the complement: SEMA3D is on the minus strand). VCF-style: chr7-85068224-C-A. GRCh37 (hg19) VCF-style: chr7-84697540-C-A.
Other names: c.556G>T, p.Asp186Tyr (NM_001384901.1, NM_001384902.1, NM_001384903.1 and 1 more transcripts); short protein forms D186Y.
Identifiers: ClinVar variation 3349522 (VCV003349522.1).

ClinVar aggregate classification (germline): Uncertain significance (0 of 4 stars; one submission).

Conditions:
SEMA3D-related disorder. Also called: SEMA3D-related condition.

Submission:

PreventionGenetics, part of Exact Sciences
Classification: Uncertain significance for SEMA3D-related condition. Last evaluated: 2024-02-01. Review status: no assertion criteria provided. Collection method: clinical testing. Allele origin: germline.
Comment: The SEMA3D c.556G>T variant is predicted to result in the amino acid substitution p.Asp186Tyr. To our knowledge, this variant has not been reported in the literature or in a large population database, indicating this variant is rare. At this time, the clinical significance of this variant is uncertain due to the absence of conclusive functional and genetic evidence.